The following is an entry in ClinVar:

ClinVar aggregate classification (germline): Uncertain significance (1 of 4 stars; one submission).

Conditions:
Hereditary cancer-predisposing syndrome. Also called: Hereditary neoplastic syndrome; Neoplastic Syndromes, Hereditary; Tumor predisposition; Hereditary Cancer Syndrome. Identifiers: Orphanet 140162, MedGen C0027672, MeSH D009386, MONDO:0015356.

Submission:

Ambry Genetics
Classification: Uncertain significance for Hereditary cancer-predisposing syndrome. Last evaluated: 2024-12-14. Review status: criteria provided, single submitter. Criteria: Ambry Variant Classification Scheme 2023. Collection method: clinical testing. Allele origin: germline.
Comment: The p.K203E variant (also known as c.607A>G), located in coding exon 3 of the FLCN gene, results from an A to G substitution at nucleotide position 607. The lysine at codon 203 is replaced by glutamic acid, an amino acid with similar properties. This amino acid position is conserved. In addition, the in silico prediction for this alteration is inconclusive. Based on the available evidence, the clinical significance of this variant remains unclear.

NM_144997.7(FLCN):c.607A>G (p.Lys203Glu)

Gene: FLCN (folliculin; minus strand). Cytogenetic location: 17p11.2.
Variant type: single nucleotide variant.
Coding change: c.607A>G on transcript NM_144997.7 (MANE Select); coding-DNA position 607, A replaced by G.
Protein change: p.Lys203Glu; replaces lysine 203 with glutamic acid.
Molecular consequence: missense variant.
Genome position (GRCh38, 1-based): chr17:17,223,933, T>C on the plus strand (A>G on the coding strand, the complement: FLCN is on the minus strand). VCF-style: chr17-17223933-T-C. GRCh37 (hg19) VCF-style: chr17-17127247-T-C.
Other names: c.661A>G, p.Lys221Glu (NM_001353229.2); c.607A>G, p.Lys203Glu (NM_001353230.2, NM_001353231.2, NM_144606.7); short protein forms K221E, K203E.
Identifiers: ClinVar variation 3850563 (VCV003850563.1).